The following is an entry in ClinVar:

NM_001035.3(RYR2):c.6269G>A (p.Arg2090Gln)

Gene: RYR2 (ryanodine receptor 2; plus strand). Cytogenetic location: 1q43.
Variant type: single nucleotide variant.
Coding change: c.6269G>A on transcript NM_001035.3 (MANE Select); coding-DNA position 6269, G replaced by A.
Protein change: p.Arg2090Gln; replaces arginine 2090 with glutamine.
Molecular consequence: missense variant.
Genome position (GRCh38, 1-based): chr1:237,627,909, G>A. VCF-style: chr1-237627909-G-A. GRCh37 (hg19) VCF-style: chr1-237791209-G-A.
Other names: short protein forms R2090Q.
Identifiers: ClinVar variation 1419847 (VCV001419847.10), dbSNP rs1379845021, ClinGen allele CA345410900.

ClinVar aggregate classification (germline): Uncertain significance. Review status: criteria provided, multiple submitters, no conflicts (2 of 4 stars). 2 submissions from 2 submitters: Uncertain significance (2). Last evaluated 2024-09-23.

Conditions:
Catecholaminergic polymorphic ventricular tachycardia 1. Also called: VENTRICULAR TACHYCARDIA, CATECHOLAMINERGIC POLYMORPHIC, 1, WITH OR WITHOUT ATRIAL DYSFUNCTION AND/OR DILATED CARDIOMYOPATHY; RYR2-Related Catecholaminergic Polymorphic Ventricular Tachycardia; VENTRICULAR TACHYCARDIA, STRESS-INDUCED POLYMORPHIC 1. Identifiers: Orphanet 3286, MedGen C1631597, MONDO:0011484, OMIM 604772.
Catecholaminergic polymorphic ventricular tachycardia (CVPT). Also called: Catecholamine-induced polymorphic ventricular tachycardia. Identifiers: Orphanet 3286, MedGen C5574922, MONDO:0017990.

Allele frequency attached by ClinVar (database versions not stated): gnomAD exomes below 0.00001 and 0.00001; TOPMed below 0.00001; gnomAD 0.00001.
gnomAD v4.1: 20 of 1,613,742 alleles (0.0012%); highest among the groups gnomAD compares: African/African-American, 0.004%; no homozygotes.

Submissions (2):

All of Us Research Program, National Institutes of Health
Classification: Uncertain significance for Catecholaminergic polymorphic ventricular tachycardia. Last evaluated: 2024-09-23. Review status: criteria provided, single submitter. Criteria: ACMG Guidelines, 2015. Collection method: clinical testing. Allele origin: germline. Inheritance: Autosomal dominant inheritance. Observed: 3 variant alleles, 3 heterozygotes.
Comment: This missense variant replaces arginine with glutamine at codon 2090 of the RYR2 protein. Computational prediction suggests that this variant may have deleterious impact on protein structure and function (internally defined REVEL score threshold >= 0.7, PMID: 27666373). To our knowledge, functional studies have not been reported for this variant. This variant has not been reported in individuals affected with RYR2-related disorders in the literature. This variant has been identified in 1/249164 chromosomes in the general population by the Genome Aggregation Database (gnomAD). The available evidence is insufficient to determine the role of this variant in disease conclusively. Therefore, this variant is classified as a Variant of Uncertain Significance.

This study involves interpretation of variants in research participants for the purpose of population health screening. Participant phenotype was not available at the time of variant classification. Additional details can be found in publication PMID: 35346344, PMCID: PMC8962531

Labcorp Genetics (formerly Invitae), Labcorp
Classification: Uncertain significance for Catecholaminergic polymorphic ventricular tachycardia 1. Last evaluated: 2023-08-30. Review status: criteria provided, single submitter. Criteria: Invitae Variant Classification Sherloc (09022015). Collection method: clinical testing. Allele origin: germline.
Comment: In summary, the available evidence is currently insufficient to determine the role of this variant in disease. Therefore, it has been classified as a Variant of Uncertain Significance. Advanced modeling of protein sequence and biophysical properties (such as structural, functional, and spatial information, amino acid conservation, physicochemical variation, residue mobility, and thermodynamic stability) performed at Invitae indicates that this missense variant is expected to disrupt RYR2 protein function. ClinVar contains an entry for this variant (Variation ID: 1419847). This variant has not been reported in the literature in individuals affected with RYR2-related conditions. This variant is present in population databases (no rsID available, gnomAD 0.0009%). This sequence change replaces arginine, which is basic and polar, with glutamine, which is neutral and polar, at codon 2090 of the RYR2 protein (p.Arg2090Gln).